The following is an entry in ClinVar:

ClinVar aggregate classification (germline): Uncertain significance (1 of 4 stars; one submission).

Conditions:
Malignant hyperthermia, susceptibility to, 1 (MHS1). Also called: Anesthesia related hyperthermia; Malignant hyperpyrexia; Fulminating hyperpyrexia; Pharmacogenic myopathy; RYR1-Related Malignant Hyperthermia Susceptibility; Malignant hyperthermia suceptibility 1. Identifiers: Orphanet 423, MedGen C2930980, MONDO:0007783, OMIM 145600.

Submission:

All of Us Research Program, National Institutes of Health
Classification: Uncertain significance for Malignant hyperthermia, susceptibility to, 1. Last evaluated: 2024-04-25. Review status: criteria provided, single submitter. Criteria: ACMG Guidelines, 2015. Collection method: clinical testing. Allele origin: germline. Inheritance: Autosomal dominant inheritance. Observed: 1 variant allele, 1 heterozygote.
Comment: This missense variant replaces asparagine with lysine at codon 53 of the RYR1 protein. Computational prediction is inconclusive regarding the impact of this variant on protein structure and function (internally defined REVEL score threshold 0.5 < inconclusive < 0.7, PMID: 27666373). To our knowledge, functional studies have not been reported for this variant. This variant has not been reported in individuals affected with RYR1-related disorders in the literature. This variant has not been identified in the general population by the Genome Aggregation Database (gnomAD). The available evidence is insufficient to determine the role of this variant in disease conclusively. Therefore, this variant is classified as a Variant of Uncertain Significance.

This study involves interpretation of variants in research participants for the purpose of population health screening. Participant phenotype was not available at the time of variant classification. Additional details can be found in publication PMID: 35346344, PMCID: PMC8962531

NM_000540.3(RYR1):c.159C>G (p.Asn53Lys)

Gene: RYR1 (ryanodine receptor 1; plus strand). Cytogenetic location: 19q13.2.
Variant type: single nucleotide variant.
Coding change: c.159C>G on transcript NM_000540.3 (MANE Select); coding-DNA position 159, C replaced by G.
Protein change: p.Asn53Lys; replaces asparagine 53 with lysine.
Molecular consequence: missense variant.
Genome position (GRCh38, 1-based): chr19:38,440,858, C>G. VCF-style: chr19-38440858-C-G. GRCh37 (hg19) VCF-style: chr19-38931498-C-G.
Other names: c.159C>G, p.Asn53Lys (NM_001042723.2); short protein forms N53K.
Identifiers: ClinVar variation 3387618 (VCV003387618.1).
Genomic context (GRCh38, chr19:38,440,858, plus strand): 5'-GCTCTGCCTGGCCGCCGAGGGCTTCGGCAACCGCCTGTGCTTCCTGGAGCCCACTAGCAA[C>G]GCGCAGGTCTGTGCAGGAGGGAGAGGGGCCTGGGGACAGGGGCGTCTGAAGGGGCAGAGA-3'
Protein context (NP_000531.2, residues 43-63): NRLCFLEPTS[Asn53Lys]AQNVPPDLAI